The following is an entry in ClinVar:

NM_015340.4(LARS2):c.2311A>T (p.Ile771Phe)

Gene: LARS2 (leucyl-tRNA synthetase 2, mitochondrial; plus strand). Cytogenetic location: 3p21.31.
Variant type: single nucleotide variant.
Coding change: c.2311A>T on transcript NM_015340.4 (MANE Select); coding-DNA position 2311, A replaced by T.
Protein change: p.Ile771Phe; replaces isoleucine 771 with phenylalanine.
Molecular consequence: missense variant.
Genome position (GRCh38, 1-based): chr3:45,524,015, A>T. VCF-style: chr3-45524015-A-T. GRCh37 (hg19) VCF-style: chr3-45565507-A-T.
Other names: c.2311A>T, p.Ile771Phe (NM_001368263.1); short protein forms I771F.
Identifiers: ClinVar variation 1922457 (VCV001922457.2), dbSNP rs1310264352, ClinGen allele CA352430088.
Genomic context (GRCh38, chr3:45,524,015, plus strand): 5'-TTTTACACCTCAGTCTTCTTACTTTTTTTTCCTCTTCCTTAGCAAGCCTCTCAGAGCGTC[A>T]TTCTCCACAGCCCCGAGTTTGAGGATGCTTTGTGTGCCCTGATGGTAATGGCTGCTCCAC-3'
Protein context (NP_056155.1, residues 761-781): NALSQASQSV[Ile771Phe]LHSPEFEDAL

ClinVar aggregate classification (germline): Uncertain significance (1 of 4 stars; one submission).

Allele frequency attached by ClinVar (database versions not stated): TOPMed 0.00002.
gnomAD v4.1: 3 of 1,613,806 alleles (0.00019%); highest among the groups gnomAD compares: Non-Finnish European, 0.00017%; no homozygotes.

Submission:

Labcorp Genetics (formerly Invitae), Labcorp
Classification: Uncertain significance. Last evaluated: 2022-08-14. Review status: criteria provided, single submitter. Criteria: Invitae Variant Classification Sherloc (09022015). Collection method: clinical testing. Allele origin: germline.
Comment: This sequence change replaces isoleucine, which is neutral and non-polar, with phenylalanine, which is neutral and non-polar, at codon 771 of the LARS2 protein (p.Ile771Phe). This variant is present in population databases (no rsID available, gnomAD 0.003%). This variant has not been reported in the literature in individuals affected with LARS2-related conditions. Algorithms developed to predict the effect of missense changes on protein structure and function (SIFT, PolyPhen-2, Align-GVGD) all suggest that this variant is likely to be tolerated. In summary, the available evidence is currently insufficient to determine the role of this variant in disease. Therefore, it has been classified as a Variant of Uncertain Significance.